The following is an entry in ClinVar:

ClinVar aggregate classification (germline): Pathogenic/Likely pathogenic. Review status: criteria provided, multiple submitters, no conflicts (2 of 4 stars). 5 submissions from 5 submitters: Pathogenic (1); Likely pathogenic (3). 1 of the submissions does not count toward it. Last evaluated 2026-03-18.

Conditions:
WDFY3-related disorder.
Microcephaly 18, primary, autosomal dominant (MCPH18). Identifiers: MedGen C4479608, MONDO:0054593, OMIM 617520.

Allele frequency attached by ClinVar (database versions not stated): gnomAD exomes below 0.00001.

Submissions (5):

Dasa
Classification: Likely pathogenic. Last evaluated: 2026-03-18. Review status: criteria provided, single submitter. Criteria: DASA Assertion Criteria. Collection method: clinical testing. Allele origin: germline.
Comment: NM_014991.6(WDFY3):c.2459_2460del (p.Pro820Argfs*5) is a frameshift variant in WDFY3 predicted to alter the reading frame and introduce a premature termination codon and is predicted to result in an absent or altered protein product. Loss of function is an established disease mechanism for WDFY3 (PMID: 31327001; PMID: 27824329; PMID: 30564305). Also, this variant is rare in population databases. Based on the currently available evidence, this variant is classified as likely pathogenic.

PreventionGenetics, part of Exact Sciences
Classification: Likely pathogenic for WDFY3-related condition. Last evaluated: 2025-12-23. Review status: criteria provided, single submitter. Criteria: ACMG Guidelines, 2015. Collection method: clinical testing. Allele origin: germline.
Comment: The WDFY3 c.2459_2460delCT variant is predicted to result in a frameshift and premature protein termination (p.Pro820Argfs*5). To our knowledge, this variant has not been reported in the literature. In gnomAD v4 (available only on GRCh38), this variant is reported in four heterozygotes. Frameshift variants in WDFY3 are expected to be pathogenic. This variant is interpreted as likely pathogenic.

Labcorp Genetics (formerly Invitae), Labcorp
Classification: Pathogenic. Last evaluated: 2025-02-16. Review status: criteria provided, single submitter. Criteria: Invitae Variant Classification Sherloc (09022015). Collection method: clinical testing. Allele origin: germline.
Comment: This sequence change creates a premature translational stop signal (p.Pro820Argfs*5) in the WDFY3 gene. It is expected to result in an absent or disrupted protein product. Loss-of-function variants in WDFY3 are known to be pathogenic (PMID: 31327001). This variant is not present in population databases (gnomAD no frequency). This variant has not been reported in the literature in individuals affected with WDFY3-related conditions. ClinVar contains an entry for this variant (Variation ID: 975777). For these reasons, this variant has been classified as Pathogenic.

Blueprint Genetics
Classification: Likely pathogenic for WDFY3-related disorders. Last evaluated: 2024-03-11. Review status: criteria provided, single submitter. Criteria: ACMG Guidelines, 2015. Collection method: clinical testing. Allele origin: germline. Affected: yes. Observed: 4 variant alleles.

Centre de Biologie Pathologie Génétique, Centre Hospitalier Universitaire de Lille
Classification: Pathogenic for Microcephaly 18, primary, autosomal dominant. Last evaluated: 2019-01-01. Review status: no assertion criteria provided. Collection method: clinical testing. Allele origin: de novo. Affected: yes. Not counted in ClinVar's aggregate classification.

Literature cited by the submitters: PubMed 31327001 (cited by Dasa and Labcorp Genetics (formerly Invitae), Labcorp); PubMed 27824329 (cited by Dasa); PubMed 30564305 (cited by Dasa).

NM_014991.6(WDFY3):c.2459_2460del (p.Pro820fs)

Genes: WDFY3 (WD repeat and FYVE domain containing 3; minus strand), WDFY3-AS1 (WDFY3 antisense RNA 1; plus strand). Cytogenetic location: 4q21.23.
Variant type: Deletion.
Coding change: c.2459_2460del on transcript NM_014991.6 (MANE Select); coding-DNA positions 2459 to 2460, 2 bases deleted (CT; older notation c.2459_2460delCT).
Protein change: p.Pro820fs; shifts the reading frame from proline 820.
Molecular consequence: frameshift variant.
Genome position (GRCh38, 1-based): chr4:84,803,437-84,803,438, AG deleted on the plus strand (CT on the coding strand, the reverse complement: WDFY3 is on the minus strand). VCF-style (leftmost placement, unchanged base first): chr4-84803436-CAG-C. GRCh37 (hg19) VCF-style: chr4-85724589-CAG-C.
Other names: c.2459_2460delCT (NM_014991.4); short protein forms P820fs.
Identifiers: ClinVar variation 975777 (VCV000975777.6), dbSNP rs1750979319, ClinGen allele CA1139658556.